The following is an entry in ClinVar:

ClinVar aggregate classification (germline): Likely pathogenic (1 of 4 stars; one submission).

Conditions:
MFN2-related disorder. Also called: MFN2-related condition; MFN2-related disorders.

gnomAD v4.1: 1 of 1,614,188 alleles (0.000062%); no homozygotes.

Submission:

PreventionGenetics, part of Exact Sciences
Classification: Likely pathogenic for MFN2-related condition. Last evaluated: 2022-11-08. Review status: criteria provided, single submitter. Criteria: ACMG Guidelines, 2015. Collection method: clinical testing. Allele origin: germline.
Comment: The MFN2 c.1161-2A>G variant is predicted to disrupt the AG splice acceptor site and interfere with normal splicing. To our knowledge, this variant has not been reported in the literature or in a large population database, indicating this variant is rare. Variants that disrupt the consensus splice acceptor site in MFN2 are expected to be pathogenic. This variant is interpreted as likely pathogenic.

NM_014874.4(MFN2):c.1161-2A>G

Gene: MFN2 (mitofusin 2; plus strand). Cytogenetic location: 1p36.22.
Variant type: single nucleotide variant.
Coding change: c.1161-2A>G on transcript NM_014874.4 (MANE Select); the canonical splice acceptor site of the intron before coding-DNA position 1161, A replaced by G.
Molecular consequence: splice acceptor variant.
Genome position (GRCh38, 1-based): chr1:12,003,990, A>G. VCF-style: chr1-12003990-A-G. GRCh37 (hg19) VCF-style: chr1-12064047-A-G.
Other names: c.1161-2A>G (NM_001127660.2).
Identifiers: ClinVar variation 2628454 (VCV002628454.1), dbSNP rs2523072193, ClinGen allele CA338444635.
Genomic context (GRCh38, chr1:12,003,990, plus strand): 5'-CCTCTTGCTCCTCTGCTTAGTCAGACAGGAACATGGATTTCTCACCAGTACTCTGCTTTC[A>G]GGGTTTACTGCGAGGAAATGCGTGAAGAGCGGCAAGACCGACTGAAATTTATTGACAAAC-3'